The following is an entry in ClinVar:

ClinVar aggregate classification (germline): Uncertain significance (1 of 4 stars; one submission).

Conditions:
Inborn genetic diseases. Identifiers: MedGen C0950123, MeSH D030342.

Submission:

Ambry Genetics
Classification: Uncertain significance for Inborn genetic diseases. Last evaluated: 2025-01-17. Review status: criteria provided, single submitter. Criteria: Ambry Variant Classification Scheme 2023. Collection method: clinical testing. Allele origin: germline.
Comment: The p.S1271A variant (also known as c.3811T>G), located in coding exon 38 of the FANCA gene, results from a T to G substitution at nucleotide position 3811. The serine at codon 1271 is replaced by alanine, an amino acid with similar properties. This amino acid position is conserved. In addition, this alteration is predicted to be tolerated by in silico analysis. Based on the available evidence, the clinical significance of this variant remains unclear.

NM_000135.4(FANCA):c.3811T>G (p.Ser1271Ala)

Genes: FANCA (FA complementation group A; minus strand), ZNF276 (zinc finger protein 276; plus strand). Cytogenetic location: 16q24.3.
Variant type: single nucleotide variant.
Coding change: c.3811T>G on transcript NM_000135.4 (MANE Select); coding-DNA position 3811, T replaced by G.
Protein change: p.Ser1271Ala; replaces serine 1271 with alanine.
Molecular consequence: missense variant. On other transcripts: 3 prime UTR variant (2), non-coding transcript variant (4).
Genome position (GRCh38, 1-based): chr16:89,740,821, A>C on the plus strand (T>G on the coding strand, the complement: FANCA is on the minus strand). VCF-style: chr16-89740821-A-C. GRCh37 (hg19) VCF-style: chr16-89807229-A-C.
Other names: c.3811T>G, p.Ser1271Ala (NM_001286167.3); c.*2575A>C (NM_001113525.2, NM_152287.4); short protein forms S1271A.
Identifiers: ClinVar variation 3848117 (VCV003848117.1).